The following is an entry in ClinVar:

ClinVar aggregate classification (germline): Likely pathogenic (1 of 4 stars; one submission).

Submission:

CeGaT Center for Human Genetics Tuebingen
Classification: Likely pathogenic. Last evaluated: 2026-01-01. Review status: criteria provided, single submitter. Criteria: CeGaT Center For Human Genetics Tuebingen Variant Classification Criteria Version 2. Collection method: clinical testing. Allele origin: germline. Affected: yes. Observed: 2 variant alleles.
Comment: NF1: PM2, PS4:Moderate, PP3, PP4

NM_001042492.3(NF1):c.7190-768G>T

Gene: NF1 (neurofibromin 1; plus strand). Cytogenetic location: 17q11.2.
Variant type: single nucleotide variant.
Coding change: c.7190-768G>T on transcript NM_001042492.3 (MANE Select); 768 bases into the intron before coding-DNA position 7190, G replaced by T.
Molecular consequence: intron variant.
Genome position (GRCh38, 1-based): chr17:31,348,352, G>T. VCF-style: chr17-31348352-G-T. GRCh37 (hg19) VCF-style: chr17-29675370-G-T.
Other names: c.7127-768G>T (NM_000267.4).
Identifiers: ClinVar variation 4534659 (VCV004534659.6).